The following is an entry in ClinVar:

NM_007294.4(BRCA1):c.5102T>G (p.Leu1701Arg)

Gene: BRCA1 (BRCA1 DNA repair associated; minus strand). Cytogenetic location: 17q21.31.
Variant type: single nucleotide variant.
Coding change: c.5102T>G on transcript NM_007294.4 (MANE Select); coding-DNA position 5102, T replaced by G.
Protein change: p.Leu1701Arg; replaces leucine 1701 with arginine.
Molecular consequence: missense variant. On other transcripts: non-coding transcript variant (1).
Genome position (GRCh38, 1-based): chr17:43,063,924, A>C on the plus strand (T>G on the coding strand, the complement: BRCA1 is on the minus strand). VCF-style: chr17-43063924-A-C. GRCh37 (hg19) VCF-style: chr17-41215941-A-C.
Other names: c.4886T>G, p.Leu1629Arg (NM_001407917.1, NM_001407915.1, NM_001407916.1 and 1 more transcripts); c.4835T>G, p.Leu1612Arg (NM_001407928.1, NM_001407929.1, NM_001407930.1 and 4 more transcripts); c.4832T>G, p.Leu1611Arg (NM_001407934.1, NM_001407935.1, NM_001407936.1); c.4769T>G, p.Leu1590Arg (NM_001407947.1, NM_001407948.1, NM_001407949.1 and 1 more transcripts); c.4766T>G, p.Leu1589Arg (NM_001407950.1, NM_001407951.1, NM_001407952.1 and 3 more transcripts); c.4211T>G, p.Leu1404Arg (NM_001407967.1); c.2498T>G, p.Leu833Arg (NM_001407968.1); c.2495T>G, p.Leu832Arg (NM_001407969.1); and 71 more; short protein forms L1654R, L597R, L1701R, L1722R, L1405R, L1572R, L1589R, L1657R.
Identifiers: ClinVar variation 867646 (VCV000867646.3), dbSNP rs1597820325, ClinGen allele CA10591324.

Conditions:
Breast-ovarian cancer, familial, susceptibility to, 1 (BROVCA1). Also called: BRCA1 Hereditary Breast and Ovarian Cancer; OVARIAN CANCER, SUSCEPTIBILITY TO. Identifiers: Orphanet 145, MedGen C2676676, MONDO:0011450, OMIM 604370. Disease mechanism: loss of function.

Submission:

Brotman Baty Institute, University of Washington
No classification provided (evidence only). Condition: Breast-ovarian cancer, familial 1. Review status: no classification provided. Collection method: in vitro. Allele origin: not applicable. Functional consequence: functionally_normal.
ClinVar note: "not provided" was previously submitted as the classification for the variant. However, the classification appeared to be based only on an observation of functional data so it was converted to no classification on 2025-07-30.